The following is an entry in ClinVar:

ClinVar aggregate classification (germline): Uncertain significance (1 of 4 stars; one submission).

Conditions:
Autosomal dominant nocturnal frontal lobe epilepsy 5. Also called: Epilepsy, nocturnal frontal lobe, 5; CILIARY DYSKINESIA, PRIMARY, 28, WITHOUT SITUS INVERSUS; CILIARY DYSKINESIA, PRIMARY, 28, WITH SITUS INVERSUS; KCNT1-Related Epilepsy. Identifiers: Orphanet 98784, MedGen C3554306, MONDO:0014002, OMIM 615005.

gnomAD v4.1: 1 of 1,609,090 alleles (0.000062%); highest among the groups gnomAD compares: Non-Finnish European, 0.000085%; no homozygotes.

Submission:

Illumina Laboratory Services, Illumina
Classification: Uncertain significance for KCNT1-related epilepsy. Last evaluated: 2021-09-22. Review status: criteria provided, single submitter. Criteria: ICSLVariantClassificationCriteria RUGD 01 April 2020. Collection method: clinical testing. Allele origin: unknown.
Comment: The KCNT1 c.1049T>C (p.Val350Ala) variant is a missense variant. A literature search was performed for the gene, cDNA change, and amino acid change. No publications were found based on this search. This variant is not found in version 2.1.1 or version 3.1.1 of the Genome Aggregation Database despite its location in a region of good sequencing coverage, which suggests the variant is rare. While there are at least two nearby variants that have been reported in individuals with KCNT1-related epilepsy, multiple lines of computational evidence suggest the p.Val350Ala variant may not have a deleterious effect. Based on the available evidence, the p.Val350Ala variant is classified as a variant of uncertain significance for KCNT1-related epilepsy.

Literature cited by the submitters: PubMed 29390993; PubMed 30868116; PubMed 31216405; PubMed 31388363; PubMed 31532594; PubMed 31618474; PubMed 32139178; PubMed 34114611.

NM_020822.3(KCNT1):c.1049T>C (p.Val350Ala)

Gene: KCNT1 (potassium sodium-activated channel subfamily T member 1; plus strand). Cytogenetic location: 9q34.3.
Variant type: single nucleotide variant.
Coding change: c.1049T>C on transcript NM_020822.3 (MANE Select); coding-DNA position 1049, T replaced by C.
Protein change: p.Val350Ala; replaces valine 350 with alanine.
Molecular consequence: missense variant.
Genome position (GRCh38, 1-based): chr9:135,765,044, T>C. VCF-style: chr9-135765044-T-C. GRCh37 (hg19) VCF-style: chr9-138656890-T-C.
Other names: c.914T>C, p.Val305Ala (NM_001272003.2); short protein forms V305A, V350A.
Identifiers: ClinVar variation 1328186 (VCV001328186.4), dbSNP rs1329791962, ClinGen allele CA375499837.